The following is an entry in ClinVar:

ClinVar aggregate classification (germline): Benign/Likely benign. Review status: criteria provided, multiple submitters, no conflicts (2 of 4 stars). 2 submissions from 2 submitters: Benign (1); Likely benign (1). Last evaluated 2024-09-10.

Conditions:
Familial cancer of breast. Also called: BREAST CANCER, FAMILIAL; Hereditary breast cancer; hereditary breast carcinoma. Identifiers: Orphanet 227535, MedGen C0346153, MONDO:0016419, OMIM 114480. Disease mechanism: loss of function.
Hereditary cancer-predisposing syndrome. Also called: Neoplastic Syndromes, Hereditary; Tumor predisposition; Hereditary Cancer Syndrome; Hereditary neoplastic syndrome. Identifiers: Orphanet 140162, MedGen C0027672, MeSH D009386, MONDO:0015356.

Allele frequency attached by ClinVar (database versions not stated): gnomAD exomes below 0.00001.
gnomAD v4.1: 1 of 1,614,204 alleles (0.000062%); no homozygotes.

Submissions (2):

Myriad Genetics, Inc.
Classification: Benign for Familial cancer of breast. Last evaluated: 2024-09-10. Review status: criteria provided, single submitter. Criteria: Myriad Autosomal Dominant, Autosomal Recessive and X-Linked Classification Criteria (2023). Collection method: clinical testing. Allele origin: unknown.
Comment: This variant is considered benign. This variant is a silent/synonymous amino acid change and it is not expected to impact splicing.

Color Diagnostics, LLC DBA Color Health
Classification: Likely benign for Hereditary cancer-predisposing syndrome. Last evaluated: 2018-10-09. Review status: criteria provided, single submitter. Criteria: ACMG Guidelines, 2015. Collection method: clinical testing. Allele origin: germline.

NM_032043.3(BRIP1):c.3291A>G (p.Glu1097=)

Gene: BRIP1 (BRCA1 interacting DNA helicase 1; minus strand). Cytogenetic location: 17q23.2.
Variant type: single nucleotide variant.
Coding change: c.3291A>G on transcript NM_032043.3 (MANE Select); coding-DNA position 3291, A replaced by G.
Protein change: p.Glu1097=; no amino-acid change (glutamic acid 1097 retained).
Molecular consequence: synonymous variant.
Genome position (GRCh38, 1-based): chr17:61,683,755, T>C on the plus strand (A>G on the coding strand, the complement: BRIP1 is on the minus strand). VCF-style: chr17-61683755-T-C. GRCh37 (hg19) VCF-style: chr17-59761116-T-C.
Identifiers: ClinVar variation 924463 (VCV000924463.3), dbSNP rs2061312881, ClinGen allele CA501335177.